The following is an entry in ClinVar:

ClinVar aggregate classification (germline): Likely benign. Review status: criteria provided, multiple submitters, no conflicts (2 of 4 stars). 2 submissions from 2 submitters: Likely benign (2). Last evaluated 2023-10-02.

Conditions:
Familial thoracic aortic aneurysm and aortic dissection (TAAD). Also called: Thoracic aortic aneurysms and dissections. Identifiers: Orphanet 91387, MedGen C4707243, MONDO:0019625.

Allele frequency attached by ClinVar (database versions not stated): gnomAD exomes below 0.00001.
gnomAD v4.1: 2 of 1,613,974 alleles (0.00012%); highest among the groups gnomAD compares: Middle Eastern, 0.017%; no homozygotes.

Submissions (2):

All of Us Research Program, National Institutes of Health
Classification: Likely benign for Familial thoracic aortic aneurysm and aortic dissection. Last evaluated: 2023-10-02. Review status: criteria provided, single submitter. Criteria: ACMG Guidelines, 2015. Collection method: clinical testing. Allele origin: germline. Inheritance: Autosomal dominant inheritance. Observed: 1 variant allele, 1 heterozygote.
Comment: This study involves interpretation of variants in research participants for the purpose of population health screening. Participant phenotype was not available at the time of variant classification. Additional details can be found in publication PMID: 35346344, PMCID: PMC8962531

Color Diagnostics, LLC DBA Color Health
Classification: Likely benign for Familial thoracic aortic aneurysm and aortic dissection. Last evaluated: 2018-12-05. Review status: criteria provided, single submitter. Criteria: ACMG Guidelines, 2015. Collection method: clinical testing. Allele origin: germline.

NM_001613.4(ACTA2):c.318G>A (p.Leu106=)

Gene: ACTA2 (actin alpha 2, smooth muscle; minus strand). Cytogenetic location: 10q23.31.
Variant type: single nucleotide variant.
Coding change: c.318G>A on transcript NM_001613.4 (MANE Select); coding-DNA position 318, G replaced by A.
Protein change: p.Leu106=; no amino-acid change (leucine 106 retained).
Molecular consequence: synonymous variant. On other transcripts: intron variant (1).
Genome position (GRCh38, 1-based): chr10:88,943,848, C>T on the plus strand (G>A on the coding strand, the complement: ACTA2 is on the minus strand). VCF-style: chr10-88943848-C-T. GRCh37 (hg19) VCF-style: chr10-90703605-C-T.
Other names: c.318G>A, p.Leu106= (NM_001141945.3, NM_001320855.2, NM_001406462.1 and 3 more transcripts); c.189G>A, p.Leu63= (NM_001406467.1, NM_001406468.1, NM_001406469.1); c.259-1979G>A (NM_001406466.1).
Identifiers: ClinVar variation 922637 (VCV000922637.5), dbSNP rs1845900195, ClinGen allele CA470735493.